The following is an entry in ClinVar:

ClinVar aggregate classification (germline): Likely benign. Review status: criteria provided, multiple submitters, no conflicts (2 of 4 stars). 4 submissions from 4 submitters: Likely benign (3). 1 of the submissions does not count toward it. Last evaluated 2026-01-18.

Conditions:
ARSG-related disorder. Also called: ARSG-related condition.

Allele frequency attached by ClinVar (database versions not stated): 1000 Genomes Project 30x 0.00016; 1000 Genomes Project 0.00020; ESP Exome Variant Server 0.00038; gnomAD 0.00047 and 0.00050; TOPMed 0.00048; gnomAD exomes 0.00057 and 0.00096; ExAC 0.00078.
gnomAD v4.1: 1,481 of 1,614,050 alleles (0.092%); highest among the groups gnomAD compares: Non-Finnish European, 0.11%; no homozygotes.

Submissions (4):

Labcorp Genetics (formerly Invitae), Labcorp
Classification: Likely benign. Last evaluated: 2026-01-18. Review status: criteria provided, single submitter. Criteria: Invitae Variant Classification Sherloc (09022015). Collection method: clinical testing. Allele origin: germline.

Blueprint Genetics
Classification: Likely benign. Last evaluated: 2024-09-09. Review status: criteria provided, single submitter. Criteria: ACMG Guidelines, 2015. Collection method: clinical testing. Allele origin: germline.

Breakthrough Genomics
Classification: Likely benign. Review status: criteria provided, single submitter. Criteria: ACMG Guidelines, 2015. Collection method: not provided. Allele origin: germline. Inheritance: Autosomal recessive inheritance. Affected: yes.

PreventionGenetics, part of Exact Sciences
Classification: Likely benign for ARSG-related condition. Last evaluated: 2019-03-13. Review status: no assertion criteria provided. Collection method: clinical testing. Allele origin: germline. Not counted in ClinVar's aggregate classification.
Comment: This variant is classified as likely benign based on ACMG/AMP sequence variant interpretation guidelines (Richards et al. 2015 PMID: 25741868, with internal and published modifications).

NM_001267727.2(ARSG):c.1113T>C (p.Thr371=)

Gene: ARSG (arylsulfatase G; plus strand). Cytogenetic location: 17q24.2.
Variant type: single nucleotide variant.
Coding change: c.1113T>C on transcript NM_001267727.2 (MANE Select); coding-DNA position 1113, T replaced by C.
Protein change: p.Thr371=; no amino-acid change (threonine 371 retained).
Molecular consequence: synonymous variant.
Genome position (GRCh38, 1-based): chr17:68,395,094, T>C. VCF-style: chr17-68395094-T-C. GRCh37 (hg19) VCF-style: chr17-66391235-T-C.
Other names: c.1113T>C, p.Thr371= (NM_001352899.2, NM_001352900.2, NM_001352901.2 and 3 more transcripts); c.1110T>C, p.Thr370= (NM_001352903.2, NM_001352904.2, NM_001352905.2 and 2 more transcripts); c.1065T>C, p.Thr355= (NM_001352909.2); c.1113T>C (NM_014960.4).
Identifiers: ClinVar variation 1111180 (VCV001111180.13), dbSNP rs139410112, ClinGen allele CA8728490.
Genomic context (GRCh38, chr17:68,395,094, plus strand): 5'-AGAAGAGCTGGGGACAACTCAGTCTTGTTATTTCCGCAGCGTGCTGGACATTTTTCCAAC[T>C]GTGGTAGCCCTGGCCCAGGCCAGCTTACCTCAAGGACGGCGCTTTGATGGTGTGGACGTC-3'
Protein context (NP_001254656.1, residues 361-381): ALLSVLDIFP[Thr371=]VVALAQASLP